The following is an entry in ClinVar:

NM_002303.6(LEPR):c.274C>T (p.Arg92Trp)

Gene: LEPR (leptin receptor; plus strand). Cytogenetic location: 1p31.3.
Variant type: single nucleotide variant.
Coding change: c.274C>T on transcript NM_002303.6 (MANE Select); coding-DNA position 274, C replaced by T.
Protein change: p.Arg92Trp; replaces arginine 92 with tryptophan.
Molecular consequence: missense variant.
Genome position (GRCh38, 1-based): chr1:65,570,706, C>T. VCF-style: chr1-65570706-C-T. GRCh37 (hg19) VCF-style: chr1-66036389-C-T.
Other names: c.274C>T, p.Arg92Trp (NM_001003679.3, NM_001003680.3, NM_001198687.2 and 2 more transcripts); short protein forms R92W.
Identifiers: ClinVar variation 4980237 (VCV004980237.1).

ClinVar aggregate classification (germline): Uncertain significance (1 of 4 stars; one submission).

Conditions:
LEPR-related disorder. Also called: LEPR-related disorders; LEPR-related condition.

Submission:

PreventionGenetics, part of Exact Sciences
Classification: Uncertain significance for LEPR-related condition. Last evaluated: 2026-08-26. Review status: criteria provided, single submitter. Criteria: ACMG Guidelines, 2015. Collection method: clinical testing. Allele origin: germline.
Comment: The LEPR c.274C>T variant is predicted to result in the amino acid substitution p.Arg92Trp. This variant was observed in a cohort of individuals with obesity, and in vitro functional studies showed function similar to wild-type levels (Supplemental Data Set, Shah et al. 2023. PubMed ID: 36864747). This variant is reported in 0.00088% of alleles in individuals of European (non-Finnish) descent in gnomAD. At this time, the clinical significance of this variant is uncertain due to the absence of conclusive functional and genetic evidence.